The following is an entry in ClinVar:

ClinVar aggregate classification (germline): Uncertain significance. Review status: criteria provided, multiple submitters, no conflicts (2 of 4 stars). 5 submissions from 2 submitters: Uncertain significance (5). Last evaluated 2018-01-12.

Conditions:
Transitory neonatal diabetes mellitus. Also called: Transient neonatal diabetes mellitus. Identifiers: MedGen C0342273, MONDO:0020525, HP:0008255.
Maturity-onset diabetes of the young (MODY). Also called: Maturity onset diabetes mellitus in young. Identifiers: Orphanet 552, MedGen C0342276, MONDO:0018911, HP:0004904.
Diabetes mellitus, transient neonatal, 2 (TNDM2). Identifiers: Orphanet 99886, MedGen C1835887, MONDO:0012480, OMIM 610374. Disease mechanism: loss of function.
Hyperinsulinemic hypoglycemia, familial, 1 (HHF1). Also called: Persistent hyperinsulinemic hypoglycemia of infancy; Persistent Hyperinsulinemia Hypoglycemia of Infancy; HYPERINSULINISM, FAMILIAL, WITH PANCREATIC NESIDIOBLASTOSIS; HYPOGLYCEMIA, HYPERINSULINEMIC, OF INFANCY; NESIDIOBLASTOSIS OF PANCREAS. Identifiers: Orphanet 276575, Orphanet 276598, MedGen C2931832, MONDO:0009734, OMIM 256450.
Permanent neonatal diabetes mellitus (PNDM). Identifiers: Orphanet 99885, MedGen C1833104, MONDO:0100164, MONDO:0011643. Disease mechanism: gain of function.

Allele frequency attached by ClinVar (database versions not stated): TOPMed 0.00001.

Submissions (5):

Illumina Laboratory Services, Illumina
Classification: Uncertain significance for Diabetes mellitus, transient neonatal, 2. Last evaluated: 2018-01-12. Review status: criteria provided, single submitter. Criteria: ICSL Variant Classification Criteria 13 December 2019. Collection method: clinical testing. Allele origin: germline.

Illumina Laboratory Services, Illumina
Classification: Uncertain significance for Permanent neonatal diabetes mellitus 1. Last evaluated: 2018-01-12. Review status: criteria provided, single submitter. Criteria: ICSL Variant Classification Criteria 13 December 2019. Collection method: clinical testing. Allele origin: germline.

Illumina Laboratory Services, Illumina
Classification: Uncertain significance for Hyperinsulinemic hypoglycemia, familial, 1. Last evaluated: 2018-01-12. Review status: criteria provided, single submitter. Criteria: ICSL Variant Classification Criteria 13 December 2019. Collection method: clinical testing. Allele origin: germline.

Clinical Genomics, Uppaluri K&H Personalized Medicine Clinic
Classification: Uncertain significance for Transitory neonatal diabetes mellitus. Review status: criteria provided, single submitter. Criteria: K & H Uppaluri Personalized Medicine Clinic Variant Classification & Assertion Criteria_Updated V.1. Collection method: research. Allele origin: unknown. Inheritance: Somatic mutation.
Comment: Mutations in ABCC8 gene are associated with both neonatal diabetes mellitus as well as MODY. Patients with this mutation may have a better response to sulfonylureas. However, no sufficient evidence is found to ascertain the role of this particular variant ( rs1956635063) in neonatal diabetes yet.

Clinical Genomics, Uppaluri K&H Personalized Medicine Clinic
Classification: Uncertain significance for Maturity-onset diabetes of the young. Review status: criteria provided, single submitter. Criteria: K & H Uppaluri Personalized Medicine Clinic Variant Classification & Assertion Criteria_Updated V.1. Collection method: research. Allele origin: unknown. Inheritance: Somatic mutation.
Comment: Mutations in ABCC8 gene are associated with both neonatal diabetes mellitus as well as MODY. Patients with this mutation may have a better response to sulfonylureas. However, no sufficient evidence is found to ascertain the role of this particular variant ( rs1956635063) in MODY yet.

Literature cited by the submitters: PubMed 16885549 (cited by Clinical Genomics, Uppaluri K&H Personalized Medicine Clinic); PubMed 21989597 (cited by Clinical Genomics, Uppaluri K&H Personalized Medicine Clinic); PubMed 27538677 (cited by Clinical Genomics, Uppaluri K&H Personalized Medicine Clinic); PubMed 18981553 (cited by Clinical Genomics, Uppaluri K&H Personalized Medicine Clinic); PubMed 32027066 (cited by Clinical Genomics, Uppaluri K&H Personalized Medicine Clinic); PubMed 16613899 (cited by Clinical Genomics, Uppaluri K&H Personalized Medicine Clinic); PubMed 18025408 (cited by Clinical Genomics, Uppaluri K&H Personalized Medicine Clinic); PubMed 32792356 (cited by Clinical Genomics, Uppaluri K&H Personalized Medicine Clinic).

NM_000352.6(ABCC8):c.1215C>T (p.Ser405=)

Gene: ABCC8 (ATP binding cassette subfamily C member 8; minus strand). Cytogenetic location: 11p15.1.
Variant type: single nucleotide variant.
Coding change: c.1215C>T on transcript NM_000352.6 (MANE Select); coding-DNA position 1215, C replaced by T.
Protein change: p.Ser405=; no amino-acid change (serine 405 retained).
Molecular consequence: synonymous variant. On other transcripts: non-coding transcript variant (1).
Genome position (GRCh38, 1-based): chr11:17,448,633, G>A on the plus strand (C>T on the coding strand, the complement: ABCC8 is on the minus strand). VCF-style: chr11-17448633-G-A. GRCh37 (hg19) VCF-style: chr11-17470180-G-A.
Other names: c.1215C>T, p.Ser405= (NM_001287174.3, NM_001351295.2); c.1212C>T, p.Ser404= (NM_001351296.2, NM_001351297.2).
Identifiers: ClinVar variation 877310 (VCV000877310.6), dbSNP rs1956635063, ClinGen allele CA473299257.